The following is an entry in ClinVar:

ClinVar aggregate classification (germline): Likely benign (0 of 4 stars; one submission).

Conditions:
NPM1-related disorder. Also called: NPM1-related condition.

gnomAD v4.1: 26 of 1,613,356 alleles (0.0016%); highest among the groups gnomAD compares: Admixed American, 0.025%; no homozygotes.

Submission:

PreventionGenetics, part of Exact Sciences
Classification: Likely benign for NPM1-related condition. Last evaluated: 2019-03-13. Review status: no assertion criteria provided. Collection method: clinical testing. Allele origin: germline.
Comment: This variant is classified as likely benign based on ACMG/AMP sequence variant interpretation guidelines (Richards et al. 2015 PMID: 25741868, with internal and published modifications).

NM_002520.7(NPM1):c.177T>C (p.Ile59=)

Gene: NPM1 (nucleophosmin 1; plus strand). Cytogenetic location: 5q35.1.
Variant type: single nucleotide variant.
Coding change: c.177T>C on transcript NM_002520.7 (MANE Select); coding-DNA position 177, T replaced by C.
Protein change: p.Ile59=; no amino-acid change (isoleucine 59 retained).
Molecular consequence: synonymous variant. On other transcripts: 5 prime UTR variant (1), non-coding transcript variant (1), intron variant (1).
Genome position (GRCh38, 1-based): chr5:171,391,343, T>C. VCF-style: chr5-171391343-T-C. GRCh37 (hg19) VCF-style: chr5-170818347-T-C.
Other names: c.177T>C, p.Ile59= (NM_001037738.3, NM_001355006.2, NM_001355009.2 and 1 more transcripts); c.-16T>C (NM_001355007.2); c.59-1367T>C (NM_001355010.2).
Identifiers: ClinVar variation 3057493 (VCV003057493.2), dbSNP rs142102985, ClinGen allele CA3558504.